The following is an entry in ClinVar:

NC_000001.10:g.(?_216372959)_(216373473_?)del

Gene: USH2A (usherin; minus strand). Cytogenetic location: 1q41.
Variant type: Deletion.
Identifiers: ClinVar variation 1068092 (VCV001068092.7).

ClinVar aggregate classification (germline): Likely pathogenic (1 of 4 stars; one submission).

Submission:

Labcorp Genetics (formerly Invitae), Labcorp
Classification: Likely pathogenic. Last evaluated: 2020-10-20. Review status: criteria provided, single submitter. Criteria: Invitae Variant Classification Sherloc (09022015). Collection method: clinical testing. Allele origin: germline.
Comment: In summary, the currently available evidence indicates that the variant is pathogenic, but additional data are needed to prove that conclusively. Therefore, this variant has been classified as Likely Pathogenic. This variant disrupts the p.Ser1136 amino acid residue in USH2A. Other variant(s) that disrupt this residue have been determined to be pathogenic (PMID: 22135276, 28512305, 27957503, 27460420, 30718709, 25991456). This suggests that this residue is clinically significant, and that variants that disrupt this residue are likely to be disease-causing. This variant has not been reported in the literature in individuals with USH2A-related conditions. This variant is a gross deletion of the genomic region encompassing exon(s) 17 of the USH2A gene. This variant would be expected to be in-frame, preserving the integrity of the reading frame.

Literature cited by the submitters: PubMed 22135276; PubMed 28512305; PubMed 27957503; PubMed 27460420; PubMed 30718709; PubMed 25991456.